The following is an entry in ClinVar:

ClinVar aggregate classification (germline): Uncertain significance (1 of 4 stars; one submission).

Conditions:
Pseudo-Hurler polydystrophy. Also called: MUCOLIPIDOSIS IIIA; ML III; ML III ALPHA/BETA; Type III Mucolipidosis; ML IIIA; Mucolipidosis III Alpha/Beta. Identifiers: Orphanet 423461, Orphanet 577, MedGen C0033788, MONDO:0018931, OMIM 252600.
Mucolipidosis type II. Also called: Mucolipidosis II Alpha/Beta; ML II ALPHA/BETA; Mucolipidosis 2; ML 2; Inclusion cell disease; Leroy Disease. Identifiers: Orphanet 576, MedGen C2673377, MONDO:0009650, OMIM 252500.

Submission:

Labcorp Genetics (formerly Invitae), Labcorp
Classification: Uncertain significance for Pseudo-Hurler polydystrophy; Mucolipidosis type II. Last evaluated: 2022-08-09. Review status: criteria provided, single submitter. Criteria: Invitae Variant Classification Sherloc (09022015). Collection method: clinical testing. Allele origin: germline.
Comment: This sequence change replaces aspartic acid, which is acidic and polar, with asparagine, which is neutral and polar, at codon 291 of the GNPTAB protein (p.Asp291Asn). This variant is not present in population databases (gnomAD no frequency). This variant has not been reported in the literature in individuals affected with GNPTAB-related conditions. In summary, the available evidence is currently insufficient to determine the role of this variant in disease. Therefore, it has been classified as a Variant of Uncertain Significance. Advanced modeling of protein sequence and biophysical properties (such as structural, functional, and spatial information, amino acid conservation, physicochemical variation, residue mobility, and thermodynamic stability) performed at Invitae indicates that this missense variant is not expected to disrupt GNPTAB protein function.

NM_024312.5(GNPTAB):c.871G>A (p.Asp291Asn)

Gene: GNPTAB (N-acetylglucosamine-1-phosphate transferase subunits alpha and beta; minus strand). Cytogenetic location: 12q23.2.
Variant type: single nucleotide variant.
Coding change: c.871G>A on transcript NM_024312.5 (MANE Select); coding-DNA position 871, G replaced by A.
Protein change: p.Asp291Asn; replaces aspartic acid 291 with asparagine.
Molecular consequence: missense variant.
Genome position (GRCh38, 1-based): chr12:101,771,058, C>T on the plus strand (G>A on the coding strand, the complement: GNPTAB is on the minus strand). VCF-style: chr12-101771058-C-T. GRCh37 (hg19) VCF-style: chr12-102164836-C-T.
Other names: short protein forms D291N.
Identifiers: ClinVar variation 1969712 (VCV001969712.5), dbSNP rs1389588779, ClinGen allele CA386303554.
Genomic context (GRCh38, chr12:101,771,058, plus strand): 5'-GGCTGATGGCGCTCAGATCCCATAATAAATATGCAGGACTTATGGTCAGTTCTTTTCCAT[C>T]AATGGTCATGTTCTTCTTAGTTTGCTTATTCAATTCTTGAAAATCCTTGGGGTTATTCAG-3'
Protein context (NP_077288.2, residues 281-301): NKQTKKNMTI[Asp291Asn]GKELTISPAY